The following is an entry in ClinVar:

NM_152564.5(VPS13B):c.11221A>C (p.Ile3741Leu)

Gene: VPS13B (vacuolar protein sorting 13 homolog B; plus strand). Cytogenetic location: 8q22.2.
Variant type: single nucleotide variant.
Coding change: c.11221A>C on transcript NM_152564.5 (MANE Select); coding-DNA position 11221, A replaced by C.
Protein change: p.Ile3741Leu; replaces isoleucine 3741 with leucine.
Molecular consequence: missense variant.
Genome position (GRCh38, 1-based): chr8:99,868,294, A>C. VCF-style: chr8-99868294-A-C. GRCh37 (hg19) VCF-style: chr8-100880522-A-C.
Other names: c.11296A>C, p.Ile3766Leu (NM_017890.5); short protein forms I3766L, I3741L.
Identifiers: ClinVar variation 4988597 (VCV004988597.1).

ClinVar aggregate classification (germline): Uncertain significance (1 of 4 stars; one submission).

Conditions:
VPS13B-related disorder. Also called: VPS13B-related condition.

gnomAD v4.1: 12 of 1,614,108 alleles (0.00074%); highest among the groups gnomAD compares: Non-Finnish European, 0.001%; no homozygotes.

Submission:

PreventionGenetics, part of Exact Sciences
Classification: Uncertain significance for VPS13B-related condition. Last evaluated: 2026-09-09. Review status: criteria provided, single submitter. Criteria: ACMG Guidelines, 2015. Collection method: clinical testing. Allele origin: germline.
Comment: The VPS13B c.11221A>C variant is predicted to result in the amino acid substitution p.Ile3741Leu. To our knowledge, this variant has not been reported in the literature. This variant is reported in 0.00088% of alleles in individuals of European (Non-Finnish) descent in gnomAD. At this time, the clinical significance of this variant is uncertain due to the absence of conclusive functional and genetic evidence.